The following is an entry in ClinVar:

NM_024649.5(BBS1):c.1676G>A (p.Gly559Asp)

Genes: BBS1 (Bardet-Biedl syndrome 1; plus strand), ZDHHC24 (zDHHC palmitoyltransferase 24; minus strand). Cytogenetic location: 11q13.2.
Variant type: single nucleotide variant.
Coding change: c.1676G>A on transcript NM_024649.5 (MANE Select); coding-DNA position 1676, G replaced by A.
Protein change: p.Gly559Asp; replaces glycine 559 with aspartic acid.
Molecular consequence: missense variant. On other transcripts: intron variant (1).
Genome position (GRCh38, 1-based): chr11:66,531,723, G>A. VCF-style: chr11-66531723-G-A. GRCh37 (hg19) VCF-style: chr11-66299194-G-A.
Other names: c.560-2235C>T (NM_001348571.2); short protein forms G559D.
Identifiers: ClinVar variation 879585 (VCV000879585.33), dbSNP rs544767888, ClinGen allele CA6123853.

ClinVar aggregate classification (germline): Uncertain significance. Review status: criteria provided, multiple submitters, no conflicts (2 of 4 stars). 4 submissions from 4 submitters: Uncertain significance (4). Last evaluated 2023-09-20.

Conditions:
Bardet-Biedl syndrome (BBS). Identifiers: Orphanet 110, MedGen C0752166, MONDO:0015229.
BBS1-related disorder. Also called: BBS1-related condition.
Bardet-Biedl syndrome 1 (BBS1). Identifiers: MedGen C2936862, MONDO:0008854, OMIM 209900. Disease mechanism: loss of function.

Allele frequency attached by ClinVar (database versions not stated): gnomAD exomes 0.00010 and 0.00017; 1000 Genomes Project 30x 0.00062; TOPMed below 0.00001; gnomAD 0.00008 and 0.00001; ExAC 0.00016; 1000 Genomes Project 0.00060.
gnomAD v4.1: 157 of 1,614,048 alleles (0.0097%); highest among the groups gnomAD compares: South Asian, 0.16%; 2 homozygotes.

Submissions (4):

PreventionGenetics, part of Exact Sciences
Classification: Uncertain significance for BBS1-related condition. Last evaluated: 2023-09-20. Review status: criteria provided, single submitter. Criteria: ACMG Guidelines, 2015. Collection method: clinical testing. Allele origin: germline.
Comment: The BBS1 c.1676G>A variant is predicted to result in the amino acid substitution p.Gly559Asp. This variant was reported in the heterozygous state in two individuals with clinical features of Meckel syndrome (Karmous-Benailly et al. 2005. PubMed ID: 15666242; Davis et al. 2011. PubMed ID: 21258341). This variant is reported in 0.13% of alleles in individuals of South Asian descent in gnomAD. Although we suspect that this variant may be benign, at this time, the clinical significance of this variant is uncertain due to the absence of conclusive functional and genetic evidence.

CeGaT Center for Human Genetics Tuebingen
Classification: Uncertain significance. Last evaluated: 2023-03-01. Review status: criteria provided, single submitter. Criteria: CeGaT Center For Human Genetics Tuebingen Variant Classification Criteria Version 2. Collection method: clinical testing. Allele origin: germline. Affected: yes. Observed: 1 variant allele.
Comment: BBS1: PM2, PM3, PP3

Labcorp Genetics (formerly Invitae), Labcorp
Classification: Uncertain significance for Bardet-Biedl syndrome. Last evaluated: 2022-06-03. Review status: criteria provided, single submitter. Criteria: Invitae Variant Classification Sherloc (09022015). Collection method: clinical testing. Allele origin: germline.
Comment: This sequence change replaces glycine, which is neutral and non-polar, with aspartic acid, which is acidic and polar, at codon 559 of the BBS1 protein (p.Gly559Asp). This variant is present in population databases (rs544767888, gnomAD 0.1%). This variant has not been reported in the literature in individuals affected with BBS1-related conditions. ClinVar contains an entry for this variant (Variation ID: 879585). Algorithms developed to predict the effect of missense changes on protein structure and function are either unavailable or do not agree on the potential impact of this missense change (SIFT: "Tolerated"; PolyPhen-2: "Possibly Damaging"; Align-GVGD: "Class C0"). In summary, the available evidence is currently insufficient to determine the role of this variant in disease. Therefore, it has been classified as a Variant of Uncertain Significance.

Illumina Laboratory Services, Illumina
Classification: Uncertain significance for Bardet-Biedl syndrome 1. Last evaluated: 2017-04-27. Review status: criteria provided, single submitter. Criteria: ICSL Variant Classification Criteria 13 December 2019. Collection method: clinical testing. Allele origin: germline.
Comment: This variant was observed as part of a predisposition screen in an ostensibly healthy population. A literature search was performed for the gene, cDNA change, and amino acid change (where applicable). Publications were found based on this search. However, the evidence from the literature, in combination with allele frequency data from public databases where available, was not sufficient to rule this variant in or out of causing disease. Therefore, this variant is classified as a variant of unknown significance.

Literature cited by the submitters: PubMed 21258341 (cited by Illumina Laboratory Services, Illumina); PubMed 15666242 (cited by Illumina Laboratory Services, Illumina).